The following is an entry in ClinVar:

NM_145725.3(TRAF3):c.1429A>G (p.Ile477Val)

Gene: TRAF3 (TNF receptor associated factor 3; plus strand). Cytogenetic location: 14q32.32.
Variant type: single nucleotide variant.
Coding change: c.1429A>G on transcript NM_145725.3 (MANE Select); coding-DNA position 1429, A replaced by G.
Protein change: p.Ile477Val; replaces isoleucine 477 with valine.
Molecular consequence: missense variant.
Genome position (GRCh38, 1-based): chr14:102,905,506, A>G. VCF-style: chr14-102905506-A-G. GRCh37 (hg19) VCF-style: chr14-103371843-A-G.
Other names: c.1180A>G, p.Ile394Val (NM_001199427.2); c.1288A>G, p.Ile430Val (NM_001385142.1); c.1348A>G, p.Ile450Val (NM_001385143.1); c.1429A>G, p.Ile477Val (NM_003300.4); c.1354A>G, p.Ile452Val (NM_145726.3); short protein forms I394V, I477V, I430V, I450V, I452V.
Identifiers: ClinVar variation 1473841 (VCV001473841.8), dbSNP rs1205003742, ClinGen allele CA391076828.

ClinVar aggregate classification (germline): Uncertain significance (1 of 4 stars; one submission).

Conditions:
Immunodeficiency 132A. Also called: Herpes simplex encephalitis, susceptibility to, 3. Identifiers: Orphanet 1930, MedGen C3553868, MONDO:0013920, OMIM 614849.

Allele frequency attached by ClinVar (database versions not stated): gnomAD exomes below 0.00001.
gnomAD v4.1: 4 of 1,614,186 alleles (0.00025%); highest among the groups gnomAD compares: African/African-American, 0.0013%; no homozygotes.

Submission:

Labcorp Genetics (formerly Invitae), Labcorp
Classification: Uncertain significance for Immunodeficiency 132A. Last evaluated: 2022-07-12. Review status: criteria provided, single submitter. Criteria: Invitae Variant Classification Sherloc (09022015). Collection method: clinical testing. Allele origin: germline.
Comment: In summary, the available evidence is currently insufficient to determine the role of this variant in disease. Therefore, it has been classified as a Variant of Uncertain Significance. Algorithms developed to predict the effect of missense changes on protein structure and function (SIFT, PolyPhen-2, Align-GVGD) all suggest that this variant is likely to be tolerated. ClinVar contains an entry for this variant (Variation ID: 1473841). This variant has not been reported in the literature in individuals affected with TRAF3-related conditions. This variant is present in population databases (no rsID available, gnomAD 0.007%). This sequence change replaces isoleucine, which is neutral and non-polar, with valine, which is neutral and non-polar, at codon 477 of the TRAF3 protein (p.Ile477Val).